The following is an entry in ClinVar:

NM_004990.4(MARS1):c.699T>G (p.Ile233Met)

Gene: MARS1 (methionyl-tRNA synthetase 1; plus strand). Cytogenetic location: 12q13.3.
Variant type: single nucleotide variant.
Coding change: c.699T>G on transcript NM_004990.4 (MANE Select); coding-DNA position 699, T replaced by G.
Protein change: p.Ile233Met; replaces isoleucine 233 with methionine.
Molecular consequence: missense variant.
Genome position (GRCh38, 1-based): chr12:57,490,573, T>G. VCF-style: chr12-57490573-T-G. GRCh37 (hg19) VCF-style: chr12-57884356-T-G.
Other names: p.Ile233Met; short protein forms I233M.
Identifiers: ClinVar variation 449718 (VCV000449718.15), dbSNP rs201597392, ClinGen allele CA6650262.

ClinVar aggregate classification (germline): Uncertain significance. Review status: criteria provided, multiple submitters, no conflicts (2 of 4 stars). 6 submissions from 6 submitters: Uncertain significance (6). Last evaluated 2026-09-17.

Conditions:
MARS1-related disorder. Also called: MARS1-related condition.
Severe early-onset pulmonary alveolar proteinosis due to MARS deficiency. Also called: Interstitial lung and liver disease; PULMONARY ALVEOLAR PROTEINOSIS, REUNION ISLAND. Identifiers: Orphanet 440427, MedGen C4225400, MONDO:0014206, OMIM 615486.
Charcot-Marie-Tooth disease axonal type 2U. Also called: CHARCOT-MARIE-TOOTH NEUROPATHY, TYPE 2U; CHARCOT-MARIE-TOOTH DISEASE, AXONAL, AUTOSOMAL DOMINANT, TYPE 2U. Identifiers: Orphanet 397735, MedGen C4084821, MONDO:0014566, OMIM 616280.
Charcot-Marie-Tooth disease. Also called: Charcot-Marie-Tooth Neuropathy; Charcot-Marie-Tooth Hereditary Neuropathy. Identifiers: Orphanet 166, MedGen C0007959, MONDO:0015626.

Allele frequency attached by ClinVar (database versions not stated): ExAC 0.00016; 1000 Genomes Project 0.00020; TOPMed 0.00004; gnomAD 0.00005 and 0.00006; ESP Exome Variant Server 0.00008; gnomAD exomes 0.00010 and 0.00012; 1000 Genomes Project 30x 0.00016.
gnomAD v4.1: 147 of 1,614,142 alleles (0.0091%); highest among the groups gnomAD compares: Non-Finnish European, 0.01%; no homozygotes.

Submissions (6):

PreventionGenetics, part of Exact Sciences
Classification: Uncertain significance for MARS1-related condition. Last evaluated: 2026-09-17. Review status: criteria provided, single submitter. Criteria: ACMG Guidelines, 2015. Collection method: clinical testing. Allele origin: germline.
Comment: The MARS1 c.699T>G variant is predicted to result in the amino acid substitution p.Ile233Met. This variant was reported as a variant of uncertain significance in an individual from a large cohort study of Charcot-Marie-Tooth disease; however, additional evidence was not provided (Volodarsky et al. 2021. PubMed ID: 32376792). This variant is reported in 0.028% of alleles in individuals of European (Finnish) descent in gnomAD. At this time, the clinical significance of this variant is uncertain due to the absence of conclusive functional and genetic evidence.

Mayo Clinic Laboratories, Mayo Clinic
Classification: Uncertain significance. Last evaluated: 2025-10-24. Review status: criteria provided, single submitter. Criteria: ACMG Guidelines, 2015. Collection method: clinical testing. Allele origin: germline. Observed: 1 variant allele.
Comment: BP4_moderate

Women's Health and Genetics/Laboratory Corporation of America, LabCorp
Classification: Uncertain significance. Last evaluated: 2025-09-12. Review status: criteria provided, single submitter. Criteria: LabCorp Variant Classification Summary - May 2015. Collection method: clinical testing. Allele origin: germline.
Comment: Variant summary: MARS1 c.699T>G (p.Ile233Met) results in a conservative amino acid change in the encoded protein sequence. Algorithms developed to predict the effect of missense changes on protein structure and function are either unavailable or do not agree on the potential impact of this missense change. The variant was absent in 1607168 control chromosomes. The available data on variant occurrences in the general population are insufficient to allow any conclusion about variant significance. c.699T>G has been reported in the literature in at least one individual with unspecified genotype affected with suspected Charcot-Marie-Tooth Disease (Volodarsky_2021). This report does not provide unequivocal conclusions about association of the variant with MARS1-Related Disorders. To our knowledge, no experimental evidence demonstrating an impact on protein function has been reported. The following publication has been ascertained in the context of this evaluation (PMID: 32376792). ClinVar contains an entry for this variant (Variation ID: 449718). Based on the evidence outlined above, the variant was classified as uncertain significance.

Labcorp Genetics (formerly Invitae), Labcorp
Classification: Uncertain significance for Charcot-Marie-Tooth disease axonal type 2U; Severe early-onset pulmonary alveolar proteinosis due to MARS deficiency. Last evaluated: 2024-10-07. Review status: criteria provided, single submitter. Criteria: Invitae Variant Classification Sherloc (09022015). Collection method: clinical testing. Allele origin: germline.
Comment: This sequence change replaces isoleucine, which is neutral and non-polar, with methionine, which is neutral and non-polar, at codon 233 of the MARS protein (p.Ile233Met). This variant is present in population databases (rs201597392, gnomAD 0.02%). This missense change has been observed in individual(s) with clinical suspicion of Charcot-Marie-Tooth disease (PMID: 32376792). ClinVar contains an entry for this variant (Variation ID: 449718). An algorithm developed to predict the effect of missense changes on protein structure and function (PolyPhen-2) suggests that this variant¬¨‚Ä†is likely to be tolerated. In summary, the available evidence is currently insufficient to determine the role of this variant in disease. Therefore, it has been classified as a Variant of Uncertain Significance.

GeneDx
Classification: Uncertain significance. Last evaluated: 2024-10-04. Review status: criteria provided, single submitter. Criteria: GeneDx Variant Classification Process June 2021. Collection method: clinical testing. Allele origin: germline. Affected: yes.
Comment: In silico analysis indicates that this missense variant does not alter protein structure/function; This variant is associated with the following publications: (PMID: 32376792)

Molecular Genetics Laboratory, London Health Sciences Centre
Classification: Uncertain significance for Charcot-Marie-Tooth disease. Review status: criteria provided, single submitter. Criteria: ACMG Guidelines, 2015. Collection method: clinical testing. Allele origin: germline. Affected: yes.

Literature cited by the submitters: PubMed 32376792 (cited by 3 submitters).